The following is an entry in ClinVar:

NM_000492.4(CFTR):c.1393-42G>A

Genes: CFTR (CF transmembrane conductance regulator; plus strand), CFTR-AS1 (CFTR antisense RNA 1; minus strand). Cytogenetic location: 7q31.2.
Variant type: single nucleotide variant.
Coding change: c.1393-42G>A on transcript NM_000492.4 (MANE Select); 42 bases into the intron before coding-DNA position 1393, G replaced by A.
Molecular consequence: intron variant.
Genome position (GRCh38, 1-based): chr7:117,559,422, G>A. VCF-style: chr7-117559422-G-A. GRCh37 (hg19) VCF-style: chr7-117199476-G-A.
Identifiers: ClinVar variation 237854 (VCV000237854.30), dbSNP rs34906874, ClinGen allele CA4450996.

ClinVar aggregate classification (germline): Benign. Review status: criteria provided, multiple submitters, no conflicts (2 of 4 stars). 10 submissions from 10 submitters: Benign (9). 1 of the submissions does not count toward it. Last evaluated 2026-09-01.

Conditions:
CFTR-related disorder (CFTR-RD). Also called: CFTR-related disorders; CFTR-related condition. Identifiers: MedGen C5924204, MONDO:7770004.
Hereditary pancreatitis (PCTT). Also called: PRSS1-Related Hereditary Pancreatitis; Hereditary chronic pancreatitis. Identifiers: Orphanet 676, MedGen C0238339, MONDO:0008185, OMIM 167800.
Cystic fibrosis (CF). Also called: MUCOVISCIDOSIS. Identifiers: Orphanet 586, MedGen C0010674, MONDO:0009061, OMIM 219700. Disease mechanism: loss of function.

Allele frequency attached by ClinVar (database versions not stated): ExAC 0.00416; gnomAD exomes 0.00580; 1000 Genomes Project 0.00220; 1000 Genomes Project 30x 0.00281; TOPMed 0.00360; ESP Exome Variant Server 0.00038; gnomAD 0.00148 and 0.00153.
gnomAD v4.1: 1,927 of 1,279,784 alleles (0.15%); highest among the groups gnomAD compares: Admixed American, 3%; 47 homozygotes.

Submissions (10):

CeGaT Center for Human Genetics Tuebingen
Classification: Benign. Last evaluated: 2026-09-01. Review status: criteria provided, single submitter. Criteria: CeGaT Center For Human Genetics Tuebingen Variant Classification Criteria Version 2. Collection method: clinical testing. Allele origin: germline. Affected: yes. Observed: 8 variant alleles.
Comment: CFTR: BS1, BS2

Labcorp Genetics (formerly Invitae), Labcorp
Classification: Benign for Cystic fibrosis. Last evaluated: 2025-12-08. Review status: criteria provided, single submitter. Criteria: Invitae Variant Classification Sherloc (09022015). Collection method: clinical testing. Allele origin: germline.

ARUP Laboratories, Molecular Genetics and Genomics, ARUP Laboratories
Classification: Benign. Last evaluated: 2025-07-29. Review status: criteria provided, single submitter. Criteria: ARUP Molecular Germline Variant Investigation Process 2024. Collection method: clinical testing. Allele origin: germline.

Johns Hopkins Genomics, Johns Hopkins University
Classification: Benign for Cystic fibrosis. Last evaluated: 2023-02-14. Review status: criteria provided, single submitter. Criteria: ACMG Guidelines, 2015. Collection method: clinical testing. Allele origin: germline.

Quest Diagnostics Nichols Institute San Juan Capistrano
Classification: Benign. Last evaluated: 2022-03-08. Review status: criteria provided, single submitter. Criteria: Quest Diagnostics criteria. Collection method: clinical testing. Allele origin: unknown.

Sema4
Classification: Benign for Hereditary pancreatitis. Last evaluated: 2020-10-16. Review status: criteria provided, single submitter. Criteria: Sema4 Curation Guidelines. Collection method: curation. Allele origin: germline.

Ambry Genetics
Classification: Benign for Cystic fibrosis. Last evaluated: 2017-03-15. Review status: criteria provided, single submitter. Criteria: Ambry Variant Classification Scheme 2023. Collection method: clinical testing. Allele origin: germline.

Eurofins Ntd Llc (ga)
Classification: Benign. Last evaluated: 2017-01-19. Review status: criteria provided, single submitter. Criteria: EGL Classification Definitions 2015. Collection method: clinical testing. Allele origin: germline. Observed: 1 variant allele, 1 heterozygote.

PreventionGenetics, part of Exact Sciences
Classification: Benign. Review status: criteria provided, single submitter. Criteria: ACMG Guidelines, 2015. Collection method: clinical testing. Allele origin: germline.

Natera, Inc.
Classification: Likely benign for CFTR-related disorders. Last evaluated: 2018-04-11. Review status: no assertion criteria provided. Collection method: clinical testing. Allele origin: germline. Not counted in ClinVar's aggregate classification.

Literature cited by the submitters: PubMed 26847993 (cited by Quest Diagnostics Nichols Institute San Juan Capistrano); PubMed 25900089 (cited by Quest Diagnostics Nichols Institute San Juan Capistrano); PubMed 25087612 (cited by Quest Diagnostics Nichols Institute San Juan Capistrano); PubMed 15858154 (cited by Quest Diagnostics Nichols Institute San Juan Capistrano and Ambry Genetics).